The following is an entry in ClinVar:

ClinVar aggregate classification (germline): Uncertain significance (1 of 4 stars; one submission).

Submission:

Labcorp Genetics (formerly Invitae), Labcorp
Classification: Uncertain significance. Last evaluated: 2022-07-04. Review status: criteria provided, single submitter. Criteria: Invitae Variant Classification Sherloc (09022015). Collection method: clinical testing. Allele origin: germline.
Comment: This variant has not been reported in the literature in individuals affected with CNGB1-related conditions. This variant is not present in population databases (gnomAD no frequency). This sequence change replaces phenylalanine, which is neutral and non-polar, with isoleucine, which is neutral and non-polar, at codon 772 of the CNGB1 protein (p.Phe772Ile). Advanced modeling of protein sequence and biophysical properties (such as structural, functional, and spatial information, amino acid conservation, physicochemical variation, residue mobility, and thermodynamic stability) performed at Invitae indicates that this missense variant is expected to disrupt CNGB1 protein function. In summary, the available evidence is currently insufficient to determine the role of this variant in disease. Therefore, it has been classified as a Variant of Uncertain Significance.

NM_001297.5(CNGB1):c.2314T>A (p.Phe772Ile)

Gene: CNGB1 (cyclic nucleotide gated channel subunit beta 1; minus strand). Cytogenetic location: 16q21.
Variant type: single nucleotide variant.
Coding change: c.2314T>A on transcript NM_001297.5 (MANE Select); coding-DNA position 2314, T replaced by A.
Protein change: p.Phe772Ile; replaces phenylalanine 772 with isoleucine.
Molecular consequence: missense variant.
Genome position (GRCh38, 1-based): chr16:57,912,985, A>T on the plus strand (T>A on the coding strand, the complement: CNGB1 is on the minus strand). VCF-style: chr16-57912985-A-T. GRCh37 (hg19) VCF-style: chr16-57946889-A-T.
Other names: c.2296T>A, p.Phe766Ile (NM_001286130.2); short protein forms F766I, F772I.
Identifiers: ClinVar variation 2014146 (VCV002014146.4), dbSNP rs2544628877, ClinGen allele CA396061713.